The following is an entry in ClinVar:

ClinVar aggregate classification (germline): Uncertain significance (1 of 4 stars; one submission).

Submission:

Ambry Genetics
Classification: Uncertain significance. Last evaluated: 2024-03-03. Review status: criteria provided, single submitter. Criteria: Ambry Variant Classification Scheme 2023. Collection method: clinical testing. Allele origin: germline.
Comment: The p.T706I variant (also known as c.2117C>T), located in coding exon 1 of the MLH3 gene, results from a C to T substitution at nucleotide position 2117. The threonine at codon 706 is replaced by isoleucine, an amino acid with similar properties. This amino acid position is conserved. In addition, this alteration is predicted to be tolerated by in silico analysis. Based on the available evidence, the clinical significance of this alteration remains unclear.

NM_001040108.2(MLH3):c.2117C>T (p.Thr706Ile)

Gene: MLH3 (mutL homolog 3; minus strand). Cytogenetic location: 14q24.3.
Variant type: single nucleotide variant.
Coding change: c.2117C>T on transcript NM_001040108.2 (MANE Select); coding-DNA position 2117, C replaced by T.
Protein change: p.Thr706Ile; replaces threonine 706 with isoleucine.
Molecular consequence: missense variant.
Genome position (GRCh38, 1-based): chr14:75,047,539, G>A on the plus strand (C>T on the coding strand, the complement: MLH3 is on the minus strand). VCF-style: chr14-75047539-G-A. GRCh37 (hg19) VCF-style: chr14-75514242-G-A.
Other names: c.2117C>T, p.Thr706Ile (NM_014381.3); short protein forms T706I.
Identifiers: ClinVar variation 3232472 (VCV003232472.1), dbSNP rs2139569702, ClinGen allele CA390441654.
Genomic context (GRCh38, chr14:75,047,539, plus strand): 5'-TCATTGGAAACGTGTCTATACCAGGGGAAAGAGGGGGATGTATCAGATAATATGCAATCT[G>A]TTTGTGATTTTTTGCTACCTTCCTGAAAAGCAGAAAACATTGTATAAGTTGCTGTAGGTT-3'
Protein context (NP_001035197.1, residues 696-716): AFQEGSKKSQ[Thr706Ile]DCILSDTSPS